The following is an entry in ClinVar:

ClinVar aggregate classification (germline): Uncertain significance. Review status: criteria provided, multiple submitters, no conflicts (2 of 4 stars). 2 submissions from 2 submitters: Uncertain significance (2). Last evaluated 2020-08-07.

Conditions:
Hereditary cancer-predisposing syndrome. Also called: Hereditary neoplastic syndrome; Tumor predisposition; Neoplastic Syndromes, Hereditary; Hereditary Cancer Syndrome. Identifiers: Orphanet 140162, MedGen C0027672, MeSH D009386, MONDO:0015356.
Fanconi anemia complementation group J. Also called: BRIP1-Related Fanconi Anemia. Identifiers: Orphanet 84, MedGen C1836860, MONDO:0012187, OMIM 609054.
Familial cancer of breast. Also called: hereditary breast carcinoma; BREAST CANCER, FAMILIAL; Hereditary breast cancer. Identifiers: Orphanet 227535, MedGen C0346153, MONDO:0016419, OMIM 114480. Disease mechanism: loss of function.

Submissions (2):

Ambry Genetics
Classification: Uncertain significance for Hereditary cancer-predisposing syndrome. Last evaluated: 2020-08-07. Review status: criteria provided, single submitter. Criteria: Ambry Variant Classification Scheme 2023. Collection method: clinical testing. Allele origin: germline.
Comment: The p.L717P variant (also known as c.2150T>C), located in coding exon 14 of the BRIP1 gene, results from a T to C substitution at nucleotide position 2150. The leucine at codon 717 is replaced by proline, an amino acid with similar properties. This amino acid position is highly conserved in available vertebrate species. In addition, this alteration is predicted to be deleterious by in silico analysis. Since supporting evidence is limited at this time, the clinical significance of this alteration remains unclear.

Labcorp Genetics (formerly Invitae), Labcorp
Classification: Uncertain significance for Familial cancer of breast; Fanconi anemia complementation group J. Last evaluated: 2019-03-19. Review status: criteria provided, single submitter. Criteria: Invitae Variant Classification Sherloc (09022015). Collection method: clinical testing. Allele origin: germline.
Comment: In summary, the available evidence is currently insufficient to determine the role of this variant in disease. Therefore, it has been classified as a Variant of Uncertain Significance. Algorithms developed to predict the effect of missense changes on protein structure and function (SIFT, PolyPhen-2, Align-GVGD) all suggest that this variant is likely to be disruptive, but these predictions have not been confirmed by published functional studies and their clinical significance is uncertain. This variant has not been reported in the literature in individuals with BRIP1-related conditions. This variant is not present in population databases (ExAC no frequency). This sequence change replaces leucine with proline at codon 717 of the BRIP1 protein (p.Leu717Pro). The leucine residue is highly conserved and there is a moderate physicochemical difference between leucine and proline.

NM_032043.3(BRIP1):c.2150T>C (p.Leu717Pro)

Gene: BRIP1 (BRCA1 interacting DNA helicase 1; minus strand). Cytogenetic location: 17q23.2.
Variant type: single nucleotide variant.
Coding change: c.2150T>C on transcript NM_032043.3 (MANE Select); coding-DNA position 2150, T replaced by C.
Protein change: p.Leu717Pro; replaces leucine 717 with proline.
Molecular consequence: missense variant.
Genome position (GRCh38, 1-based): chr17:61,744,539, A>G on the plus strand (T>C on the coding strand, the complement: BRIP1 is on the minus strand). VCF-style: chr17-61744539-A-G. GRCh37 (hg19) VCF-style: chr17-59821900-A-G.
Other names: short protein forms L717P.
Identifiers: ClinVar variation 858046 (VCV000858046.13), dbSNP rs2077032975, ClinGen allele CA400483183.